The following is an entry in ClinVar:

NM_001743.6(CALM2):c.287A>T (p.Asp96Val)

Gene: CALM2 (calmodulin 2; minus strand). Cytogenetic location: 2p21.
Variant type: single nucleotide variant.
Coding change: c.287A>T on transcript NM_001743.6 (MANE Select); coding-DNA position 287, A replaced by T.
Protein change: p.Asp96Val; replaces aspartic acid 96 with valine.
Molecular consequence: missense variant.
Genome position (GRCh38, 1-based): chr2:47,161,857, T>A on the plus strand (A>T on the coding strand, the complement: CALM2 is on the minus strand). VCF-style: chr2-47161857-T-A. GRCh37 (hg19) VCF-style: chr2-47388996-T-A.
Other names: c.431A>T, p.Asp144Val (NM_001305624.1); c.179A>T, p.Asp60Val (NM_001305625.2, NM_001305626.1); short protein forms D96V, D60V, D144V.
Identifiers: ClinVar variation 183233 (VCV000183233.9), dbSNP rs730882254, ClinGen allele CA186019.

ClinVar aggregate classification (germline): Pathogenic. Review status: criteria provided, multiple submitters, no conflicts (2 of 4 stars). 3 submissions from 3 submitters: Pathogenic (2). 1 of the submissions does not count toward it. Last evaluated 2021-11-26.

Conditions:
Long QT syndrome 15 (LQT15). Identifiers: Orphanet 101016, Orphanet 768, MedGen C4015695, MONDO:0014550, OMIM 616249.
Long QT syndrome 1 (LQT1). Identifiers: Orphanet 101016, Orphanet 768, MedGen C4551647, MONDO:0100316, OMIM 192500, MONDO:0008646.

Submissions (3):

Labcorp Genetics (formerly Invitae), Labcorp
Classification: Pathogenic for Long QT syndrome 1. Last evaluated: 2021-11-26. Review status: criteria provided, single submitter. Criteria: Invitae Variant Classification Sherloc (09022015). Collection method: clinical testing. Allele origin: germline.
Comment: This sequence change replaces aspartic acid, which is acidic and polar, with valine, which is neutral and non-polar, at codon 96 of the CALM2 protein (p.Asp96Val). This variant is not present in population databases (gnomAD no frequency). This missense change has been observed in individual(s) with long QT syndrome (PMID: 23388215). In at least one individual the variant was observed to be de novo. ClinVar contains an entry for this variant (Variation ID: 183233). Algorithms developed to predict the effect of missense changes on protein structure and function (SIFT, PolyPhen-2, Align-GVGD) all suggest that this variant is likely to be disruptive. Experimental studies have shown that this missense change affects CALM2 function (PMID: 23388215). Algorithms developed to predict the effect of sequence changes on RNA splicing suggest that this variant may create or strengthen a splice site. This variant disrupts the p.Asp96 amino acid residue in CALM2. Other variant(s) that disrupt this residue have been determined to be pathogenic (Invitae). This suggests that this residue is clinically significant, and that variants that disrupt this residue are likely to be disease-causing. For these reasons, this variant has been classified as Pathogenic.

GeneDx
Classification: Pathogenic. Last evaluated: 2021-04-07. Review status: criteria provided, single submitter. Criteria: GeneDx Variant Classification Process June 2021. Collection method: clinical testing. Allele origin: germline. Affected: yes.
Comment: Not observed in large population cohorts (Lek et al., 2016); In silico analysis supports that this missense variant has a deleterious effect on protein structure/function; Published functional studies demonstrate a damaging effect as this variant results in decreased calcium affinity in the C-domain of the protein (Crotti et al., 2013; Sondergaard et al., 2015); This variant is associated with the following publications: (PMID: 30348784, 24563457, 27927985, 27516456, 27815504, 26164367, 24958779, 24816216, 26969752, 23388215, 26309258, 29932249)

OMIM
Classification: Pathogenic for LONG QT SYNDROME 15. Last evaluated: 2013-03-05. Review status: no assertion criteria provided. Collection method: literature only. Allele origin: germline. Not counted in ClinVar's aggregate classification.

Literature cited by the submitters: PubMed 23388215 (cited by Labcorp Genetics (formerly Invitae), Labcorp and OMIM); PubMed 27516456 (cited by OMIM).